The following is an entry in ClinVar:

ClinVar aggregate classification (germline): Uncertain significance. Review status: criteria provided, multiple submitters, no conflicts (2 of 4 stars). 4 submissions from 4 submitters: Uncertain significance (4). Last evaluated 2025-01-20.

Conditions:
Cardiovascular phenotype. Identifiers: MedGen CN230736.
RASopathy. Also called: rasopathies; Noonan spectrum disorder. Identifiers: Orphanet 536391, MedGen C5555857, MONDO:0021060.

Allele frequency attached by ClinVar (database versions not stated): gnomAD exomes 0.00001; TOPMed 0.00001; ExAC 0.00002; gnomAD 0.00003.
gnomAD v4.1: 34 of 1,614,068 alleles (0.0021%); highest among the groups gnomAD compares: Non-Finnish European, 0.0028%; no homozygotes.

Submissions (4):

Ambry Genetics
Classification: Uncertain significance for Cardiovascular phenotype. Last evaluated: 2025-01-20. Review status: criteria provided, single submitter. Criteria: Ambry Variant Classification Scheme 2023. Collection method: clinical testing. Allele origin: germline.
Comment: The p.T568I variant (also known as c.1703C>T), located in coding exon 11 of the CBL gene, results from a C to T substitution at nucleotide position 1703. The threonine at codon 568 is replaced by isoleucine, an amino acid with similar properties. This amino acid position is conserved. In addition, the in silico prediction for this alteration is inconclusive. Since supporting evidence is limited at this time, the clinical significance of this alteration remains unclear.

Labcorp Genetics (formerly Invitae), Labcorp
Classification: Uncertain significance for RASopathy. Last evaluated: 2024-10-05. Review status: criteria provided, single submitter. Criteria: Invitae Variant Classification Sherloc (09022015). Collection method: clinical testing. Allele origin: germline.
Comment: This sequence change replaces threonine, which is neutral and polar, with isoleucine, which is neutral and non-polar, at codon 568 of the CBL protein (p.Thr568Ile). This variant is present in population databases (rs762016318, gnomAD 0.003%). This variant has not been reported in the literature in individuals affected with CBL-related conditions. ClinVar contains an entry for this variant (Variation ID: 503533). Invitae Evidence Modeling of protein sequence and biophysical properties (such as structural, functional, and spatial information, amino acid conservation, physicochemical variation, residue mobility, and thermodynamic stability) indicates that this missense variant is not expected to disrupt CBL protein function with a negative predictive value of 95%. In summary, the available evidence is currently insufficient to determine the role of this variant in disease. Therefore, it has been classified as a Variant of Uncertain Significance.

Women's Health and Genetics/Laboratory Corporation of America, LabCorp
Classification: Uncertain significance. Last evaluated: 2024-05-28. Review status: criteria provided, single submitter. Criteria: LabCorp Variant Classification Summary - May 2015. Collection method: clinical testing. Allele origin: germline.
Comment: Variant summary: CBL c.1703C>T (p.Thr568Ile) results in a non-conservative amino acid change in the encoded protein sequence. Four of five in-silico tools predict a damaging effect of the variant on protein function. The variant allele was found at a frequency of 8e-06 in 251460 control chromosomes. The available data on variant occurrences in the general population are insufficient to allow any conclusion about variant significance. c.1703C>T has been reported in the literature as a VUS in a setting of multigene panel testing in an individual affected with Dilated Cardiomyopathy (Ceyhan-Birsoy_2018). This report does not provide unequivocal conclusions about association of the variant with Noonan Syndrome-Like Disorder. To our knowledge, no experimental evidence demonstrating an impact on protein function has been reported. The following publication has been ascertained in the context of this evaluation (PMID: 29696744). ClinVar contains an entry for this variant (Variation ID: 503533). Based on the evidence outlined above, the variant was classified as uncertain significance.

Laboratory for Molecular Medicine, Mass General Brigham Personalized Medicine
Classification: Uncertain significance. Last evaluated: 2018-02-28. Review status: criteria provided, single submitter. Criteria: LMM Criteria. Collection method: clinical testing. Allele origin: germline.
Comment: Disclaimer: This variant has not undergone full assessment. The following are preliminary notes: GnomAd 11:119156038 C / T: Europeans 1/126704; well conserved; Not in ClinVar, Pubmed, Google search or HGMD; probably damaging by polyphen

Literature cited by the submitters: PubMed 29696744 (cited by Women's Health and Genetics/Laboratory Corporation of America, LabCorp).

NM_005188.4(CBL):c.1703C>T (p.Thr568Ile)

Gene: CBL (Cbl proto-oncogene; plus strand). Cytogenetic location: 11q23.3.
Variant type: single nucleotide variant.
Coding change: c.1703C>T on transcript NM_005188.4 (MANE Select); coding-DNA position 1703, C replaced by T.
Protein change: p.Thr568Ile; replaces threonine 568 with isoleucine.
Molecular consequence: missense variant.
Genome position (GRCh38, 1-based): chr11:119,285,328, C>T. VCF-style: chr11-119285328-C-T. GRCh37 (hg19) VCF-style: chr11-119156038-C-T.
Other names: c.1703C>T (NM_005188.2); short protein forms T568I.
Identifiers: ClinVar variation 503533 (VCV000503533.11), dbSNP rs762016318, ClinGen allele CA6318591.